The following is an entry in ClinVar:

NM_000350.3(ABCA4):c.2969G>T (p.Gly990Val)

Gene: ABCA4 (ATP binding cassette subfamily A member 4; minus strand). Cytogenetic location: 1p22.1.
Variant type: single nucleotide variant.
Coding change: c.2969G>T on transcript NM_000350.3 (MANE Select); coding-DNA position 2969, G replaced by T.
Protein change: p.Gly990Val; replaces glycine 990 with valine.
Molecular consequence: missense variant.
Genome position (GRCh38, 1-based): chr1:94,044,694, C>A on the plus strand (G>T on the coding strand, the complement: ABCA4 is on the minus strand). VCF-style: chr1-94044694-C-A. GRCh37 (hg19) VCF-style: chr1-94510250-C-A.
Other names: c.2747G>T, p.Gly916Val (NM_001425324.1); short protein forms G916V, G990V.
Identifiers: ClinVar variation 3672166 (VCV003672166.2).

ClinVar aggregate classification (germline): Uncertain significance (1 of 4 stars; one submission).

gnomAD v4.1: 3 of 1,614,192 alleles (0.00019%); highest among the groups gnomAD compares: Non-Finnish European, 0.00025%; no homozygotes.

Submission:

Labcorp Genetics (formerly Invitae), Labcorp
Classification: Uncertain significance. Last evaluated: 2025-01-06. Review status: criteria provided, single submitter. Criteria: Invitae Variant Classification Sherloc (09022015). Collection method: clinical testing. Allele origin: germline.
Comment: This sequence change replaces glycine, which is neutral and non-polar, with valine, which is neutral and non-polar, at codon 990 of the ABCA4 protein (p.Gly990Val). This variant is not present in population databases (gnomAD no frequency). This variant has not been reported in the literature in individuals affected with ABCA4-related conditions. Invitae Evidence Modeling of protein sequence and biophysical properties (such as structural, functional, and spatial information, amino acid conservation, physicochemical variation, residue mobility, and thermodynamic stability) has been performed for this missense variant. However, the output from this modeling did not meet the statistical confidence thresholds required to predict the impact of this variant on ABCA4 protein function. In summary, the available evidence is currently insufficient to determine the role of this variant in disease. Therefore, it has been classified as a Variant of Uncertain Significance.